The following is an entry in ClinVar:

ClinVar aggregate classification (germline): Uncertain significance (1 of 4 stars; one submission).

gnomAD v4.1: 2 of 1,613,960 alleles (0.00012%); highest among the groups gnomAD compares: Non-Finnish European, 0.00017%; no homozygotes.

Submission:

Labcorp Genetics (formerly Invitae), Labcorp
Classification: Uncertain significance. Last evaluated: 2024-07-06. Review status: criteria provided, single submitter. Criteria: Invitae Variant Classification Sherloc (09022015). Collection method: clinical testing. Allele origin: germline.
Comment: This sequence change replaces isoleucine, which is neutral and non-polar, with valine, which is neutral and non-polar, at codon 2007 of the ABCA4 protein (p.Ile2007Val). This variant is present in population databases (no rsID available, gnomAD 0.0009%). This variant has not been reported in the literature in individuals affected with ABCA4-related conditions. Advanced modeling of protein sequence and biophysical properties (such as structural, functional, and spatial information, amino acid conservation, physicochemical variation, residue mobility, and thermodynamic stability) performed at Invitae indicates that this missense variant is expected to disrupt ABCA4 protein function with a positive predictive value of 95%. In summary, the available evidence is currently insufficient to determine the role of this variant in disease. Therefore, it has been classified as a Variant of Uncertain Significance.

NM_000350.3(ABCA4):c.6019A>G (p.Ile2007Val)

Gene: ABCA4 (ATP binding cassette subfamily A member 4; minus strand). Cytogenetic location: 1p22.1.
Variant type: single nucleotide variant.
Coding change: c.6019A>G on transcript NM_000350.3 (MANE Select); coding-DNA position 6019, A replaced by G.
Protein change: p.Ile2007Val; replaces isoleucine 2007 with valine.
Molecular consequence: missense variant.
Genome position (GRCh38, 1-based): chr1:94,005,569, T>C on the plus strand (A>G on the coding strand, the complement: ABCA4 is on the minus strand). VCF-style: chr1-94005569-T-C. GRCh37 (hg19) VCF-style: chr1-94471125-T-C.
Other names: c.5797A>G, p.Ile1933Val (NM_001425324.1); short protein forms I1933V, I2007V.
Identifiers: ClinVar variation 3682580 (VCV003682580.2).